The following is an entry in ClinVar:

NM_182476.3(COQ6):c.94A>G (p.Thr32Ala)

Gene: COQ6 (coenzyme Q6, monooxygenase; plus strand). Cytogenetic location: 14q24.3.
Variant type: single nucleotide variant.
Coding change: c.94A>G on transcript NM_182476.3 (MANE Select); coding-DNA position 94, A replaced by G.
Protein change: p.Thr32Ala; replaces threonine 32 with alanine.
Molecular consequence: missense variant. On other transcripts: intron variant (1).
Genome position (GRCh38, 1-based): chr14:73,950,426, A>G. VCF-style: chr14-73950426-A-G. GRCh37 (hg19) VCF-style: chr14-74417129-A-G.
Other names: c.88+246A>G (NM_182480.3); short protein forms T32A.
Identifiers: ClinVar variation 1986632 (VCV001986632.2), dbSNP rs373413097, ClinGen allele CA7264055.
Genomic context (GRCh38, chr14:73,950,426, plus strand): 5'-GTGCGTGCAGCTCCCCACAGCGGCCCGCTGGTGTCCTGGCGCAGGTGGTCCGGCGCCTCA[A>G]CAGACACCGTGTATGACGTGGTGGTGTCGGGTGGAGGCCTGGTGGGCGCTGCCATGGCCT-3'
Protein context (NP_872282.1, residues 22-42): VSWRRWSGAS[Thr32Ala]DTVYDVVVSG

ClinVar aggregate classification (germline): Uncertain significance (1 of 4 stars; one submission).

Allele frequency attached by ClinVar (database versions not stated): gnomAD exomes 0.00002; gnomAD 0.00003; TOPMed 0.00003; ExAC 0.00005; ESP Exome Variant Server 0.00008.
gnomAD v4.1: 26 of 1,605,996 alleles (0.0016%); highest among the groups gnomAD compares: Admixed American, 0.0051%; no homozygotes.

Submission:

Labcorp Genetics (formerly Invitae), Labcorp
Classification: Uncertain significance. Last evaluated: 2024-10-16. Review status: criteria provided, single submitter. Criteria: Invitae Variant Classification Sherloc (09022015). Collection method: clinical testing. Allele origin: germline.
Comment: This sequence change replaces threonine, which is neutral and polar, with alanine, which is neutral and non-polar, at codon 32 of the COQ6 protein (p.Thr32Ala). This variant is present in population databases (rs373413097, gnomAD 0.004%). This variant has not been reported in the literature in individuals affected with COQ6-related conditions. ClinVar contains an entry for this variant (Variation ID: 1986632). An algorithm developed to predict the effect of missense changes on protein structure and function outputs the following: PolyPhen-2: "Benign". The alanine amino acid residue is found in multiple mammalian species, which suggests that this missense change does not adversely affect protein function. In summary, the available evidence is currently insufficient to determine the role of this variant in disease. Therefore, it has been classified as a Variant of Uncertain Significance.